The following is an entry in ClinVar:

NM_002282.3(KRT83):c.452G>A (p.Cys151Tyr)

Gene: KRT83 (keratin 83; minus strand). Cytogenetic location: 12q13.13.
Variant type: single nucleotide variant.
Coding change: c.452G>A on transcript NM_002282.3 (MANE Select); coding-DNA position 452, G replaced by A.
Protein change: p.Cys151Tyr; replaces cysteine 151 with tyrosine.
Molecular consequence: missense variant.
Genome position (GRCh38, 1-based): chr12:52,319,297, C>T on the plus strand (G>A on the coding strand, the complement: KRT83 is on the minus strand). VCF-style: chr12-52319297-C-T. GRCh37 (hg19) VCF-style: chr12-52713081-C-T.
Other names: short protein forms C151Y.
Identifiers: ClinVar variation 309536 (VCV000309536.7), dbSNP rs201680950, ClinGen allele CA6577670.

ClinVar aggregate classification (germline): Benign. Review status: criteria provided, multiple submitters, no conflicts (2 of 4 stars). 2 submissions from 2 submitters: Benign (2). Last evaluated 2025-07-10.

Conditions:
Monilethrix. Also called: Beaded hair. Identifiers: Orphanet 573, MedGen C0546966, MONDO:0008009, HP:0032470.

Allele frequency attached by ClinVar (database versions not stated): gnomAD exomes 0.00013 and 0.00025; TOPMed 0.00013; gnomAD 0.00017 and 0.00019; ExAC 0.00019.
gnomAD v4.1: 225 of 1,613,974 alleles (0.014%); highest among the groups gnomAD compares: Non-Finnish European, 0.0032%; 2 homozygotes.

Submissions (2):

Labcorp Genetics (formerly Invitae), Labcorp
Classification: Benign. Last evaluated: 2025-07-10. Review status: criteria provided, single submitter. Criteria: Invitae Variant Classification Sherloc (09022015). Collection method: clinical testing. Allele origin: germline.

Illumina Laboratory Services, Illumina
Classification: Benign for Monilethrix-1. Last evaluated: 2018-01-12. Review status: criteria provided, single submitter. Criteria: ICSL Variant Classification Criteria 13 December 2019. Collection method: clinical testing. Allele origin: germline.
Comment: This variant was observed in the ICSL laboratory as part of a predisposition screen in an ostensibly healthy population. It had not been previously curated by ICSL or reported in the Human Gene Mutation Database (HGMD: prior to June 1st, 2018), and was therefore a candidate for classification through an automated scoring system. Utilizing variant allele frequency, disease prevalence and penetrance estimates, and inheritance mode, an automated score was calculated to assess if this variant is too frequent to cause the disease. Based on the score and internal cut-off values, a variant classified as benign is not then subjected to further curation. The score for this variant resulted in a classification of benign for this disease.